The following is an entry in ClinVar:

ClinVar aggregate classification (germline): Likely benign. Review status: criteria provided, multiple submitters, no conflicts (2 of 4 stars). 2 submissions from 2 submitters: Likely benign (2). Last evaluated 2024-08-05.

Conditions:
Microcephaly, normal intelligence and immunodeficiency (NBS). Also called: BERLIN BREAKAGE SYNDROME; Immunodeficiency, microcephaly with normal intelligence; Nijmegen breakage syndrome; Microcephaly with normal intelligence immunodeficiency and lymphoreticular malignancies; Nonsyndromal microcephaly autosomal recessive with normal intelligence; Seemanova syndrome 2. Identifiers: Orphanet 647, MedGen C0398791, MONDO:0009623, OMIM 251260.

gnomAD v4.1: 1 of 1,598,764 alleles (0.000063%); highest among the groups gnomAD compares: South Asian, 0.0011%; no homozygotes.

Submissions (2):

Labcorp Genetics (formerly Invitae), Labcorp
Classification: Likely benign for Microcephaly, normal intelligence and immunodeficiency. Last evaluated: 2024-08-05. Review status: criteria provided, single submitter. Criteria: Invitae Variant Classification Sherloc (09022015). Collection method: clinical testing. Allele origin: germline.

GeneDx
Classification: Likely benign. Last evaluated: 2016-09-27. Review status: criteria provided, single submitter. Criteria: GeneDx Variant Classification (06012015). Collection method: clinical testing. Allele origin: germline. Affected: yes.
Comment: This variant is considered likely benign or benign based on one or more of the following criteria: it is a conservative change, it occurs at a poorly conserved position in the protein, it is predicted to be benign by multiple in silico algorithms, and/or has population frequency not consistent with disease.

NM_002485.5(NBN):c.1998C>T (p.Asn666=)

Gene: NBN (nibrin; minus strand). Cytogenetic location: 8q21.3.
Variant type: single nucleotide variant.
Coding change: c.1998C>T on transcript NM_002485.5 (MANE Select); coding-DNA position 1998, C replaced by T.
Protein change: p.Asn666=; no amino-acid change (asparagine 666 retained).
Molecular consequence: synonymous variant.
Genome position (GRCh38, 1-based): chr8:89,946,212, G>A on the plus strand (C>T on the coding strand, the complement: NBN is on the minus strand). VCF-style: chr8-89946212-G-A. GRCh37 (hg19) VCF-style: chr8-90958440-G-A.
Other names: c.1752C>T, p.Asn584= (NM_001024688.3).
Identifiers: ClinVar variation 389678 (VCV000389678.9), dbSNP rs1057523508, ClinGen allele CA16605423.